The following is an entry in ClinVar:

NM_177987.3(TUBB8):c.322G>A (p.Glu108Lys)

Gene: TUBB8 (tubulin beta 8 class VIII; minus strand). Cytogenetic location: 10p15.3.
Variant type: single nucleotide variant.
Coding change: c.322G>A on transcript NM_177987.3 (MANE Select); coding-DNA position 322, G replaced by A.
Protein change: p.Glu108Lys; replaces glutamic acid 108 with lysine.
Molecular consequence: missense variant.
Genome position (GRCh38, 1-based): chr10:48,070, C>T on the plus strand (G>A on the coding strand, the complement: TUBB8 is on the minus strand). VCF-style: chr10-48070-C-T. GRCh37 (hg19) VCF-style: chr10-94010-C-T.
Other names: c.106G>A, p.Glu36Lys (NM_001389618.1, NM_001389619.1); short protein forms E108K, E36K.
Identifiers: ClinVar variation 3382491 (VCV003382491.2).

ClinVar aggregate classification (germline): Likely pathogenic (1 of 4 stars; one submission).

Conditions:
Oocyte maturation defect 2 (OZEMA2). Also called: OOCYTE/ZYGOTE/EMBRYO MATURATION ARREST 2. Identifiers: MedGen C4225210, MONDO:0021573, OMIM 616780.

gnomAD v4.1: 13 of 1,613,968 alleles (0.00081%); highest among the groups gnomAD compares: East Asian, 0.02%; no homozygotes.

Submission:

Juno Genomics, Hangzhou Juno Genomics, Inc
Classification: Likely pathogenic for Oocyte maturation defect 2. Review status: criteria provided, single submitter. Criteria: ACMG Guidelines, 2015. Collection method: clinical testing. Allele origin: germline. Affected: yes.
Comment: Absent from controls (or at extremely low frequency if recessive) in Genome Aggregation Database, Exome Sequencing Project, 1000 Genomes Project, or Exome Aggregation Consortium.;Missense variant in a gene that has a low rate of benign missense variation and where missense variants are a common mechanism of disease.;For recessive disorders, detected in trans with a pathogenic variant.;Patient's phenotype or family history is highly specific for a disease with a single genetic etiology.